The following is an entry in ClinVar:

NM_014516.4(CNOT3):c.1298T>C (p.Val433Ala)

Gene: CNOT3 (CCR4-NOT transcription complex subunit 3; plus strand). Cytogenetic location: 19q13.42.
Variant type: single nucleotide variant.
Coding change: c.1298T>C on transcript NM_014516.4 (MANE Select); coding-DNA position 1298, T replaced by C.
Protein change: p.Val433Ala; replaces valine 433 with alanine.
Molecular consequence: missense variant. On other transcripts: non-coding transcript variant (2).
Genome position (GRCh38, 1-based): chr19:54,148,635, T>C. VCF-style: chr19-54148635-T-C. GRCh37 (hg19) VCF-style: chr19-54652370-T-C.
Other names: c.1298T>C, p.Val433Ala (NM_001440658.1, NM_001440664.1, NM_001440654.1 and 1 more transcripts); c.755T>C, p.Val252Ala (NM_001440659.1, NM_001440660.1); c.1301T>C, p.Val434Ala (NM_001440661.1, NM_001440662.1, NM_001440663.1 and 3 more transcripts); short protein forms V252A, V433A, V434A.
Identifiers: ClinVar variation 4767145 (VCV004767145.1).

ClinVar aggregate classification (germline): Uncertain significance (1 of 4 stars; one submission).

Submission:

Labcorp Genetics (formerly Invitae), Labcorp
Classification: Uncertain significance. Last evaluated: 2025-06-27. Review status: criteria provided, single submitter. Criteria: Invitae Variant Classification Sherloc (09022015). Collection method: clinical testing. Allele origin: germline.
Comment: This sequence change replaces valine, which is neutral and non-polar, with alanine, which is neutral and non-polar, at codon 433 of the CNOT3 protein (p.Val433Ala). This variant is not present in population databases (gnomAD no frequency). This variant has not been reported in the literature in individuals affected with CNOT3-related conditions. An algorithm developed to predict the effect of missense changes on protein structure and function (PolyPhen-2) suggests that this variant is likely to be disruptive. In summary, the available evidence is currently insufficient to determine the role of this variant in disease. Therefore, it has been classified as a Variant of Uncertain Significance.